The following is an entry in ClinVar:

NM_198253.3(TERT):c.158A>C (p.Gln53Pro)

Genes: TERT (telomerase reverse transcriptase; minus strand), LOC110806263 (TERT 5' regulatory region; plus strand). Cytogenetic location: 5p15.33.
Variant type: single nucleotide variant.
Coding change: c.158A>C on transcript NM_198253.3 (MANE Select); coding-DNA position 158, A replaced by C.
Protein change: p.Gln53Pro; replaces glutamine 53 with proline.
Molecular consequence: missense variant. On other transcripts: non-coding transcript variant (2).
Genome position (GRCh38, 1-based): chr5:1,294,832, T>G on the plus strand (A>C on the coding strand, the complement: TERT is on the minus strand). VCF-style: chr5-1294832-T-G. GRCh37 (hg19) VCF-style: chr5-1294947-T-G.
Other names: c.158A>C, p.Gln53Pro (NM_001193376.3); short protein forms Q53P.
Identifiers: ClinVar variation 3967360 (VCV003967360.1).

ClinVar aggregate classification (germline): Uncertain significance (1 of 4 stars; one submission).

Conditions:
Dyskeratosis congenita. Identifiers: Orphanet 1775, MedGen C0265965, MONDO:0015780.

Submission:

Ambry Genetics
Classification: Uncertain significance for Dyskeratosis congenita. Last evaluated: 2025-05-03. Review status: criteria provided, single submitter. Criteria: Ambry Variant Classification Scheme 2023. Collection method: clinical testing. Allele origin: germline.
Comment: The p.Q53P variant (also known as c.158A>C), located in coding exon 1 of the TERT gene, results from an A to C substitution at nucleotide position 158. The glutamine at codon 53 is replaced by proline, an amino acid with similar properties. This amino acid position is conserved. In addition, the in silico prediction for this alteration is inconclusive. Based on the available evidence, the clinical significance of this variant remains unclear.